The following is an entry in ClinVar:

NM_000170.3(GLDC):c.319del (p.Met107fs)

Gene: GLDC (glycine decarboxylase; minus strand). Cytogenetic location: 9p24.1.
Variant type: Deletion.
Coding change: c.319del on transcript NM_000170.3 (MANE Select); coding-DNA position 319, one base deleted (A; older notation c.319delA).
Protein change: p.Met107fs; shifts the reading frame from methionine 107.
Molecular consequence: frameshift variant.
Genome position (GRCh38, 1-based): chr9:6,644,629, T deleted on the plus strand (A on the coding strand, the reverse complement: GLDC is on the minus strand); the first of 4 consecutive T bases (chr9:6,644,629-6,644,632); deleting any one gives the same sequence. VCF-style (leftmost placement, unchanged base first): chr9-6644628-AT-A. GRCh37 (hg19) VCF-style: chr9-6644628-AT-A.
Other names: short protein forms M107fs.
Identifiers: ClinVar variation 2851351 (VCV002851351.3), dbSNP rs2489160608, ClinGen allele CA2695210478.
Genomic context (GRCh38, chr9:6,644,628, plus strand): 5'-TAGGCCAGAATAATCTAAGTCCAAGGGAGCCCTCCCGGCCACTTACAAACAGGGTCTTCC[AT>A]TTTCAAGGGTCTTTTCAAACGGATGTTGGCAGGGACCGTCTTCTCGATCAATTCATCAAT-3'

ClinVar aggregate classification (germline): Pathogenic (1 of 4 stars; one submission).

Conditions:
Glycine encephalopathy. Also called: Nonketotic hyperglycinemia; Non-ketotic hyperglycinemia. Identifiers: Orphanet 407, MedGen C0751748, MONDO:0011612, HP:0008288.

Submission:

Labcorp Genetics (formerly Invitae), Labcorp
Classification: Pathogenic for Glycine encephalopathy. Last evaluated: 2024-02-19. Review status: criteria provided, single submitter. Criteria: Invitae Variant Classification Sherloc (09022015). Collection method: clinical testing. Allele origin: germline.
Comment: This sequence change creates a premature translational stop signal (p.Met107Trpfs*124) in the GLDC gene. It is expected to result in an absent or disrupted protein product. Loss-of-function variants in GLDC are known to be pathogenic (PMID: 16601880). This variant is not present in population databases (gnomAD no frequency). This variant has not been reported in the literature in individuals affected with GLDC-related conditions. For these reasons, this variant has been classified as Pathogenic.

Literature cited by the submitters: PubMed 16601880.